The following is an entry in ClinVar:

ClinVar aggregate classification (germline): Uncertain significance (1 of 4 stars; one submission).

Conditions:
Pityriasis rubra pilaris (PRP). Also called: Pityriasis rubra pilaris--familial type. Identifiers: Orphanet 2897, MedGen C0032027, MONDO:0100017, OMIM 173200, MONDO:0008251.
Psoriasis 2. Identifiers: MedGen C1864497, MONDO:0011269, OMIM 602723.

Submission:

Labcorp Genetics (formerly Invitae), Labcorp
Classification: Uncertain significance for Pityriasis rubra pilaris; Psoriasis 2. Last evaluated: 2022-09-21. Review status: criteria provided, single submitter. Criteria: Invitae Variant Classification Sherloc (09022015). Collection method: clinical testing. Allele origin: germline.
Comment: This variant has not been reported in the literature in individuals affected with CARD14-related conditions. This variant is not present in population databases (gnomAD no frequency). This sequence change falls in intron 9 of the CARD14 gene. It does not directly change the encoded amino acid sequence of the CARD14 protein. Algorithms developed to predict the effect of sequence changes on RNA splicing suggest that this variant may create or strengthen a splice site. In summary, the available evidence is currently insufficient to determine the role of this variant in disease. Therefore, it has been classified as a Variant of Uncertain Significance.

NM_001366385.1(CARD14):c.1357-8_1357-3del

Gene: CARD14 (caspase recruitment domain family member 14; plus strand). Cytogenetic location: 17q25.3.
Variant type: Deletion.
Coding change: c.1357-8_1357-3del on transcript NM_001366385.1 (MANE Select); 8 bases into the intron before coding-DNA position 1357 through 3 bases into the intron before coding-DNA position 1357, 6 bases deleted (TCCTCC; older notation c.1357-8_1357-3delTCCTCC).
Molecular consequence: intron variant.
Genome position (GRCh38, 1-based): chr17:80,195,183-80,195,188, TCCTCC deleted; deleting any 6 consecutive bases within chr17:80,195,181-80,195,188 gives the same sequence; the c. name uses the placement nearest the transcript's 3' end. VCF-style (leftmost placement, unchanged base first): chr17-80195180-CCCTCCT-C. GRCh37 (hg19) VCF-style: chr17-78168979-CCCTCCT-C.
Other names: c.1357-8_1357-3del (NM_024110.4, NM_001257970.1); c.646-8_646-3del (NM_052819.3).
Identifiers: ClinVar variation 2109150 (VCV002109150.4), dbSNP rs2510666765, ClinGen allele CA2580095302.